The following is an entry in ClinVar:

ClinVar aggregate classification (germline): Likely pathogenic (1 of 4 stars; one submission).

Conditions:
PKD1-related disorder. Also called: PKD1-related condition.

Submission:

PreventionGenetics, part of Exact Sciences
Classification: Likely pathogenic for PKD1-related condition. Last evaluated: 2025-01-21. Review status: criteria provided, single submitter. Criteria: ACMG Guidelines, 2015. Collection method: clinical testing. Allele origin: germline.
Comment: The PKD1 c.10405G>T variant is predicted to result in the amino acid substitution p.Asp3469Tyr. This variant has not been reported in a large population database (gnomAD), indicating this variant is rare. This variant has been reported in individuals with autosomal dominant polycystic kidney disease (ADPKD) (Supplemental Table 1, Allmer et al. 2024. PubMed ID: 39574911; Supplemental Table 2, Heyer et al. 2016. PubMed ID: 26823553). Of note, this nucleotide change occurs at the last base of exon 33 and is predicted to significantly weaken the nearby splice donor site signal (Alamut Visual Plus v1.6.1; SpliceAI, Jaganathan et al. 2019. PubMed ID: 30661751). In addition, different substitutions at the same codon have been reported in patients with ADPKD (c.10407T>A, p.Asp3469Glu in Xie et al. 2021. PubMed ID: 34257392 and Al-Hamed et al. 2022. PubMed ID: 36177613; p.Asp3469Asn reported as c.10402G>A, p.Asp3468Asn in Supplementary Table S6C of Kim et al. 2019. PubMed ID: 31740684, Supplemental Table 1 of Allmer et al. 2024. PubMed ID: 39574911, and Supplemental Table 2 of Heyer et al. 2016. PubMed ID: 26823553). Taken together, the c.10405G>T (p.Asp3469Tyr) variant is interpreted as likely pathogenic.

NM_001009944.3(PKD1):c.10405G>T (p.Asp3469Tyr)

Gene: PKD1 (polycystin 1, transient receptor potential channel interacting; minus strand). Cytogenetic location: 16p13.3.
Variant type: single nucleotide variant.
Coding change: c.10405G>T on transcript NM_001009944.3 (MANE Select); coding-DNA position 10405, G replaced by T.
Protein change: p.Asp3469Tyr; replaces aspartic acid 3469 with tyrosine.
Molecular consequence: missense variant.
Genome position (GRCh38, 1-based): chr16:2,097,319, C>A on the plus strand (G>T on the coding strand, the complement: PKD1 is on the minus strand). VCF-style: chr16-2097319-C-A. GRCh37 (hg19) VCF-style: chr16-2147320-C-A.
Other names: c.10402G>T, p.Asp3468Tyr (NM_000296.4); short protein forms D3468Y, D3469Y.
Identifiers: ClinVar variation 5001757 (VCV005001757.1).